The following is an entry in ClinVar:

NM_004656.4(BAP1):c.2153G>A (p.Arg718Gln)

Gene: BAP1 (BRCA1 associated deubiquitinase 1; minus strand). Cytogenetic location: 3p21.1.
Variant type: single nucleotide variant.
Coding change: c.2153G>A on transcript NM_004656.4 (MANE Select); coding-DNA position 2153, G replaced by A.
Protein change: p.Arg718Gln; replaces arginine 718 with glutamine.
Molecular consequence: missense variant.
Genome position (GRCh38, 1-based): chr3:52,402,325, C>T on the plus strand (G>A on the coding strand, the complement: BAP1 is on the minus strand). VCF-style: chr3-52402325-C-T. GRCh37 (hg19) VCF-style: chr3-52436341-C-T.
Other names: c.2153G>A (NM_004656.2); short protein forms R718Q.
Identifiers: ClinVar variation 1173084 (VCV001173084.9), dbSNP rs1440748203, ClinGen allele CA353094106.

ClinVar aggregate classification (germline): Uncertain significance. Review status: criteria provided, multiple submitters, no conflicts (2 of 4 stars). 4 submissions from 4 submitters: Uncertain significance (3). 1 of the submissions does not count toward it. Last evaluated 2024-07-16.

Conditions:
BAP1-related tumor predisposition syndrome (TPDS1). Also called: Tumor susceptibility linked to germline BAP1 mutations; COMMON Syndrome; TUMOR PREDISPOSITION SYNDROME 1; BAP1 tumor predisposition syndrome. Identifiers: Orphanet 289539, MedGen C3280492, MONDO:0013692, OMIM 614327.
Hereditary cancer-predisposing syndrome. Also called: Tumor predisposition; Hereditary neoplastic syndrome; Hereditary Cancer Syndrome; Neoplastic Syndromes, Hereditary. Identifiers: Orphanet 140162, MedGen C0027672, MeSH D009386, MONDO:0015356.
Neurodevelopmental disorder. Identifiers: MedGen C1535926, MeSH D065886, MONDO:0700092.

Allele frequency attached by ClinVar (database versions not stated): gnomAD exomes below 0.00001.
gnomAD v4.1: 3 of 1,594,688 alleles (0.00019%); highest among the groups gnomAD compares: Admixed American, 0.0018%; no homozygotes.

Submissions (4):

Labcorp Genetics (formerly Invitae), Labcorp
Classification: Uncertain significance for BAP1-related tumor predisposition syndrome. Last evaluated: 2024-07-16. Review status: criteria provided, single submitter. Criteria: Invitae Variant Classification Sherloc (09022015). Collection method: clinical testing. Allele origin: germline.
Comment: This sequence change replaces arginine, which is basic and polar, with glutamine, which is neutral and polar, at codon 718 of the BAP1 protein (p.Arg718Gln). The frequency data for this variant in the population databases is considered unreliable, as metrics indicate poor data quality at this position in the gnomAD database. This variant has not been reported in the literature in individuals affected with BAP1-related conditions. ClinVar contains an entry for this variant (Variation ID: 1173084). Advanced modeling of protein sequence and biophysical properties (such as structural, functional, and spatial information, amino acid conservation, physicochemical variation, residue mobility, and thermodynamic stability) performed at Invitae indicates that this missense variant is expected to disrupt BAP1 protein function with a positive predictive value of 80%. In summary, the available evidence is currently insufficient to determine the role of this variant in disease. Therefore, it has been classified as a Variant of Uncertain Significance.

Baylor Genetics
Classification: Uncertain significance for BAP1-related tumor predisposition syndrome. Last evaluated: 2023-10-30. Review status: criteria provided, single submitter. Criteria: ACMG Guidelines, 2015. Collection method: clinical testing. Allele origin: unknown.

Ambry Genetics
Classification: Uncertain significance for Hereditary cancer-predisposing syndrome. Last evaluated: 2023-09-05. Review status: criteria provided, single submitter. Criteria: Ambry Variant Classification Scheme 2023. Collection method: clinical testing. Allele origin: germline.
Comment: The p.R718Q variant (also known as c.2153G>A), located in coding exon 17 of the BAP1 gene, results from a G to A substitution at nucleotide position 2153. The arginine at codon 718 is replaced by glutamine, an amino acid with highly similar properties. This alteration was identified as de novo in an individual reported to be affected with BAP1-related neurodevelopmental disorder. However, functional studies performed by the authors of that study indicated that this variant rescued enzymatic and regulatory activities in a BAP1-knockout cell line at a level that was similar to wild-type, and therefore reported that the association of this variant with the phenotype was uncertain (K&uuml;ry S et al. Am J Hum Genet, 2022 Feb;109:361-372). This amino acid position is highly conserved in available vertebrate species. In addition, this alteration is predicted to be tolerated by in silico analysis. Since supporting evidence is limited at this time, the clinical significance of this alteration remains unclear.

Laboratory of Molecular Genetics (Pr. Bezieau's lab), CHU de Nantes
Classification: Pathogenic for Neurodevelopmental disorder. Last evaluated: 2021-06-22. Review status: no assertion criteria provided. Collection method: research. Allele origin: de novo. Affected: yes. Not counted in ClinVar's aggregate classification.

Literature cited by the submitters: PubMed 35051358 (cited by Ambry Genetics).